The following is an entry in ClinVar:

ClinVar aggregate classification (germline): Uncertain significance. Review status: criteria provided, multiple submitters, no conflicts (2 of 4 stars). 3 submissions from 3 submitters: Uncertain significance (3). Last evaluated 2025-08-27.

gnomAD v4.1: 71 of 1,561,432 alleles (0.0045%); highest among the groups gnomAD compares: Non-Finnish European, 0.0055%; no homozygotes.

Submissions (3):

Labcorp Genetics (formerly Invitae), Labcorp
Classification: Uncertain significance. Last evaluated: 2025-08-27. Review status: criteria provided, single submitter. Criteria: Invitae Variant Classification Sherloc (09022015). Collection method: clinical testing. Allele origin: germline.
Comment: This sequence change replaces arginine, which is basic and polar, with histidine, which is basic and polar, at codon 900 of the MYO7A protein (p.Arg900His). This variant is present in population databases (rs781790828, gnomAD 0.01%). This variant has not been reported in the literature in individuals affected with MYO7A-related conditions. ClinVar contains an entry for this variant (Variation ID: 1420034). Invitae Evidence Modeling of protein sequence and biophysical properties (such as structural, functional, and spatial information, amino acid conservation, physicochemical variation, residue mobility, and thermodynamic stability) indicates that this missense variant is not expected to disrupt MYO7A protein function with a negative predictive value of 95%. In summary, the available evidence is currently insufficient to determine the role of this variant in disease. Therefore, it has been classified as a Variant of Uncertain Significance.

GeneDx
Classification: Uncertain significance. Last evaluated: 2024-08-22. Review status: criteria provided, single submitter. Criteria: GeneDx Variant Classification Process June 2021. Collection method: clinical testing. Allele origin: germline. Affected: yes.
Comment: In silico analysis supports that this missense variant has a deleterious effect on protein structure/function; Has not been previously published as pathogenic or benign to our knowledge

Blueprint Genetics
Classification: Uncertain significance. Last evaluated: 2022-06-15. Review status: criteria provided, single submitter. Criteria: ACMG Guidelines, 2015. Collection method: clinical testing. Allele origin: germline.

NM_000260.4(MYO7A):c.2699G>A (p.Arg900His)

Gene: MYO7A (myosin VIIA; plus strand). Cytogenetic location: 11q13.5.
Variant type: single nucleotide variant.
Coding change: c.2699G>A on transcript NM_000260.4 (MANE Select); coding-DNA position 2699, G replaced by A.
Protein change: p.Arg900His; replaces arginine 900 with histidine.
Molecular consequence: missense variant.
Genome position (GRCh38, 1-based): chr11:77,181,384, G>A. VCF-style: chr11-77181384-G-A. GRCh37 (hg19) VCF-style: chr11-76892430-G-A.
Other names: c.2699G>A, p.Arg900His (NM_001127180.2); c.2666G>A, p.Arg889His (NM_001369365.1); c.2699G>A (NM_000260.3); short protein forms R900H, R889H.
Identifiers: ClinVar variation 1420034 (VCV001420034.7), dbSNP rs781790828, ClinGen allele CA6197913.